The following is an entry in ClinVar:

NM_022124.6(CDH23):c.4450C>A (p.Pro1484Thr)

Gene: CDH23 (cadherin related 23; plus strand). Cytogenetic location: 10q22.1.
Variant type: single nucleotide variant.
Coding change: c.4450C>A on transcript NM_022124.6 (MANE Select); coding-DNA position 4450, C replaced by A.
Protein change: p.Pro1484Thr; replaces proline 1484 with threonine.
Molecular consequence: missense variant.
Genome position (GRCh38, 1-based): chr10:71,739,734, C>A. VCF-style: chr10-71739734-C-A. GRCh37 (hg19) VCF-style: chr10-73499491-C-A.
Other names: short protein forms P1484T.
Identifiers: ClinVar variation 1922092 (VCV001922092.5), dbSNP rs2494214441, ClinGen allele CA377160182.

ClinVar aggregate classification (germline): Uncertain significance (1 of 4 stars; one submission).

Submission:

Labcorp Genetics (formerly Invitae), Labcorp
Classification: Uncertain significance. Last evaluated: 2023-04-24. Review status: criteria provided, single submitter. Criteria: Invitae Variant Classification Sherloc (09022015). Collection method: clinical testing. Allele origin: germline.
Comment: Advanced modeling of protein sequence and biophysical properties (such as structural, functional, and spatial information, amino acid conservation, physicochemical variation, residue mobility, and thermodynamic stability) performed at Invitae indicates that this missense variant is not expected to disrupt CDH23 protein function. ClinVar contains an entry for this variant (Variation ID: 1922092). This variant has not been reported in the literature in individuals affected with CDH23-related conditions. This variant is not present in population databases (gnomAD no frequency). This sequence change replaces proline, which is neutral and non-polar, with threonine, which is neutral and polar, at codon 1484 of the CDH23 protein (p.Pro1484Thr). In summary, the available evidence is currently insufficient to determine the role of this variant in disease. Therefore, it has been classified as a Variant of Uncertain Significance.